The following is an entry in ClinVar:

NM_022168.4(IFIH1):c.448A>G (p.Asn150Asp)

Gene: IFIH1 (interferon induced with helicase C domain 1; minus strand). Cytogenetic location: 2q24.2.
Variant type: single nucleotide variant.
Coding change: c.448A>G on transcript NM_022168.4 (MANE Select); coding-DNA position 448, A replaced by G.
Protein change: p.Asn150Asp; replaces asparagine 150 with aspartic acid.
Molecular consequence: missense variant.
Genome position (GRCh38, 1-based): chr2:162,317,860, T>C on the plus strand (A>G on the coding strand, the complement: IFIH1 is on the minus strand). VCF-style: chr2-162317860-T-C. GRCh37 (hg19) VCF-style: chr2-163174370-T-C.
Other names: short protein forms N150D.
Identifiers: ClinVar variation 1503902 (VCV001503902.8), dbSNP rs2105237729, ClinGen allele CA349013243.
Genomic context (GRCh38, chr2:162,317,860, plus strand): 5'-AGCCTGCTTTGCAAAATCTGCCTAAAAGGCTAGCTCCATCTGAACAGACACCTACCCGGT[T>C]TCTGTCTTCAATTGTCAACAGTTCCTCCTCCATGCACTTATCCAAGACGTCTCTAACTAG-3'
Protein context (NP_071451.2, residues 140-160): EEELLTIEDR[Asn150Asp]RIAAAENNGN

ClinVar aggregate classification (germline): Uncertain significance (1 of 4 stars; one submission).

Conditions:
Singleton-Merten syndrome 1 (SGMRT1). Also called: Widened medullary cavities of bone, aortic calcification, abnormal dentition, and muscular weakness; Syndrome of widened medullary cavities of the metacarpals and phalanges, aortic calcification and abnormal dentition. Identifiers: Orphanet 85191, MedGen C4225427, MONDO:0024535, OMIM 182250.
Aicardi-Goutieres syndrome 7 (AGS7). Identifiers: Orphanet 51, MedGen C3888244, MONDO:0014367, OMIM 615846.

gnomAD v4.1: 1 of 1,571,680 alleles (0.000064%); highest among the groups gnomAD compares: South Asian, 0.0012%; no homozygotes.

Submission:

Labcorp Genetics (formerly Invitae), Labcorp
Classification: Uncertain significance for Aicardi-Goutieres syndrome 7; Singleton-Merten syndrome 1. Last evaluated: 2022-12-06. Review status: criteria provided, single submitter. Criteria: Invitae Variant Classification Sherloc (09022015). Collection method: clinical testing. Allele origin: germline.
Comment: This sequence change replaces asparagine, which is neutral and polar, with aspartic acid, which is acidic and polar, at codon 150 of the IFIH1 protein (p.Asn150Asp). This variant is not present in population databases (gnomAD no frequency). This variant has not been reported in the literature in individuals affected with IFIH1-related conditions. ClinVar contains an entry for this variant (Variation ID: 1503902). In summary, the available evidence is currently insufficient to determine the role of this variant in disease. Therefore, it has been classified as a Variant of Uncertain Significance. Algorithms developed to predict the effect of missense changes on protein structure and function (SIFT, PolyPhen-2, Align-GVGD) all suggest that this variant is likely to be tolerated.